The following is an entry in ClinVar:

NM_001165963.4(SCN1A):c.1324del (p.Ala442fs)

Gene: SCN1A (sodium voltage-gated channel alpha subunit 1; minus strand). Cytogenetic location: 2q24.3.
Variant type: Deletion.
Coding change: c.1324del on transcript NM_001165963.4 (MANE Select); coding-DNA position 1324, one base deleted (G; older notation c.1324delG).
Protein change: p.Ala442fs; shifts the reading frame from alanine 442.
Molecular consequence: frameshift variant. On other transcripts: 5 prime UTR variant (1), non-coding transcript variant (1).
Genome position (GRCh38, 1-based): chr2:166,046,823, C deleted on the plus strand (G on the coding strand, the reverse complement: SCN1A is on the minus strand); the first of 2 consecutive C bases (chr2:166,046,823-166,046,824); deleting either gives the same sequence. VCF-style (leftmost placement, unchanged base first): chr2-166046822-GC-G. GRCh37 (hg19) VCF-style: chr2-166903332-GC-G.
Other names: c.1324del, p.Ala442fs (NM_001165964.3, NM_001202435.3, NM_001353948.2 and 10 more transcripts); c.-1102del (NM_001353961.2); short protein forms A442fs.
Identifiers: ClinVar variation 1070475 (VCV001070475.8), dbSNP rs2105861331, ClinGen allele CA2499215205.

ClinVar aggregate classification (germline): Pathogenic (1 of 4 stars; one submission).

Conditions:
Early-infantile DEE. Also called: Ohtahara syndrome; Early infantile epileptic encephalopathy with suppression bursts; Early infantile epileptic encephalopathy. Identifiers: Orphanet 1934, MedGen C0393706, MONDO:0800491.

Submission:

Labcorp Genetics (formerly Invitae), Labcorp
Classification: Pathogenic for Early-infantile DEE. Last evaluated: 2020-10-20. Review status: criteria provided, single submitter. Criteria: Invitae Variant Classification Sherloc (09022015). Collection method: clinical testing. Allele origin: germline.
Comment: This variant has not been reported in the literature in individuals with SCN1A-related conditions. For these reasons, this variant has been classified as Pathogenic. This variant is not present in population databases (ExAC no frequency). This sequence change creates a premature translational stop signal (p.Ala442Profs*6) in the SCN1A gene. It is expected to result in an absent or disrupted protein product. Loss-of-function variants in SCN1A are known to be pathogenic (PMID: 17347258, 18930999).

Literature cited by the submitters: PubMed 17347258; PubMed 18930999.